The following is an entry in ClinVar:

ClinVar aggregate classification (germline): Conflicting classifications of pathogenicity. Review status: criteria provided, conflicting classifications (1 of 4 stars). 2 submissions from 2 submitters: Uncertain significance (1); Likely benign (1). Last evaluated 2022-06-01.

Allele frequency attached by ClinVar (database versions not stated): gnomAD exomes 0.00010; gnomAD 0.00012; TOPMed 0.00016; ExAC 0.00023.
gnomAD v4.1: 174 of 1,547,558 alleles (0.011%); highest among the groups gnomAD compares: Middle Eastern, 0.022%; no homozygotes.

Submissions (2):

CeGaT Center for Human Genetics Tuebingen
Classification: Likely benign. Last evaluated: 2022-06-01. Review status: criteria provided, single submitter. Criteria: CeGaT Center For Human Genetics Tuebingen Variant Classification Criteria Version 2. Collection method: clinical testing. Allele origin: germline. Affected: yes. Observed: 1 variant allele.
Comment: TMC4: BP4

Ambry Genetics
Classification: Uncertain significance. Last evaluated: 2022-04-22. Review status: criteria provided, single submitter. Criteria: Ambry Variant Classification Scheme 2023. Collection method: clinical testing. Allele origin: germline.

NM_144686.4(TMC4):c.619C>T (p.His207Tyr)

Gene: TMC4 (transmembrane channel like 4; minus strand). Cytogenetic location: 19q13.42.
Variant type: single nucleotide variant.
Coding change: c.619C>T on transcript NM_144686.4 (MANE Select); coding-DNA position 619, C replaced by T.
Protein change: p.His207Tyr; replaces histidine 207 with tyrosine.
Molecular consequence: missense variant.
Genome position (GRCh38, 1-based): chr19:54,168,504, G>A on the plus strand (C>T on the coding strand, the complement: TMC4 is on the minus strand). VCF-style: chr19-54168504-G-A. GRCh37 (hg19) VCF-style: chr19-54672230-G-A.
Other names: c.637C>T, p.His213Tyr (NM_001145303.3); short protein forms H207Y, H213Y.
Identifiers: ClinVar variation 2239831 (VCV002239831.26), dbSNP rs756777812, ClinGen allele CA309344176.